The following is an entry in ClinVar:

ClinVar aggregate classification (germline): Conflicting classifications of pathogenicity. Review status: criteria provided, conflicting classifications (1 of 4 stars). 2 submissions from 2 submitters: Uncertain significance (1); Likely benign (1). Last evaluated 2026-03-01.

Submissions (2):

CeGaT Center for Human Genetics Tuebingen
Classification: Likely benign. Last evaluated: 2026-03-01. Review status: criteria provided, single submitter. Criteria: CeGaT Center For Human Genetics Tuebingen Variant Classification Criteria Version 2. Collection method: clinical testing. Allele origin: germline. Affected: yes. Observed: 1 variant allele.
Comment: POLRMT: BP4

Ambry Genetics
Classification: Uncertain significance. Last evaluated: 2024-09-08. Review status: criteria provided, single submitter. Criteria: Ambry Variant Classification Scheme 2023. Collection method: clinical testing. Allele origin: germline.

NM_005035.4(POLRMT):c.2711C>T (p.Ala904Val)

Gene: POLRMT (RNA polymerase mitochondrial; minus strand). Cytogenetic location: 19p13.3.
Variant type: single nucleotide variant.
Coding change: c.2711C>T on transcript NM_005035.4 (MANE Select); coding-DNA position 2711, C replaced by T.
Protein change: p.Ala904Val; replaces alanine 904 with valine.
Molecular consequence: missense variant. On other transcripts: non-coding transcript variant (1), intron variant (1).
Genome position (GRCh38, 1-based): chr19:620,417, G>A on the plus strand (C>T on the coding strand, the complement: POLRMT is on the minus strand). VCF-style: chr19-620417-G-A. GRCh37 (hg19) VCF-style: chr19-620417-G-A.
Other names: c.2711C>T, p.Ala904Val (NM_001407805.1, NM_001407808.1, NM_001407812.1 and 3 more transcripts); c.2702C>T, p.Ala901Val (NM_001407806.1, NM_001407809.1); c.2699C>T, p.Ala900Val (NM_001407807.1, NM_001407810.1); c.2669C>T, p.Ala890Val (NM_001407811.1, NM_001407813.1); c.2486C>T, p.Ala829Val (NM_001407830.1, NM_001407832.1); c.2387C>T, p.Ala796Val (NM_001407831.1, NM_001407833.1, NM_001407835.1 and 1 more transcripts); c.2378C>T, p.Ala793Val (NM_001407834.1); c.2641-337C>T (NM_001407829.1); short protein forms A829V, A793V, A890V, A901V, A796V, A900V, A904V.
Identifiers: ClinVar variation 3422900 (VCV003422900.5).